The following is an entry in ClinVar:

ClinVar aggregate classification (germline): Uncertain significance (1 of 4 stars; one submission).

Conditions:
Classic homocystinuria. Also called: HOMOCYSTINURIA WITH OR WITHOUT RESPONSE TO PYRIDOXINE; Homocystinuria due to CBS deficiency; Cystathionine beta-synthase deficiency; CBS deficiency; Homocystinuria due to Cystathionine Beta-Synthase Deficiency. Identifiers: Orphanet 394, MedGen C0751202, MONDO:0009352, OMIM 236200.

Submission:

Dasa
Classification: Uncertain significance for Classic homocystinuria. Last evaluated: 2025-08-14. Review status: criteria provided, single submitter. Criteria: DASA Assertion Criteria. Collection method: clinical testing. Allele origin: germline.
Comment: NM_000071.3(CBS):c.628C>G (p.Leu210Val) is a missense variant that results in the substitution of leucine with valine. This variant is absent from population databases. Computational prediction algorithms are consistent with a deleterious effect. The currently available literature and clinical evidence are not sufficient to establish a definitive association between this variant and the reported condition. Therefore, this variant is classified as a variant of uncertain significance.

NM_000071.3(CBS):c.628C>G (p.Leu210Val)

Gene: CBS (cystathionine beta-synthase; minus strand). Cytogenetic location: 21q22.3.
Variant type: single nucleotide variant.
Coding change: c.628C>G on transcript NM_000071.3 (MANE Select); coding-DNA position 628, C replaced by G.
Protein change: p.Leu210Val; replaces leucine 210 with valine.
Molecular consequence: missense variant.
Genome position (GRCh38, 1-based): chr21:43,065,425, G>C on the plus strand (C>G on the coding strand, the complement: CBS is on the minus strand). VCF-style: chr21-43065425-G-C. GRCh37 (hg19) VCF-style: chr21-44485535-G-C.
Other names: c.628C>G, p.Leu210Val (NM_001178008.3, NM_001178009.3, NM_001320298.2); c.313C>G, p.Leu105Val (NM_001321072.1); short protein forms L105V, L210V.
Identifiers: ClinVar variation 4883756 (VCV004883756.2).